The following is an entry in ClinVar:

NM_198253.3(TERT):c.2311C>G (p.Pro771Ala)

Gene: TERT (telomerase reverse transcriptase; minus strand). Cytogenetic location: 5p15.33.
Variant type: single nucleotide variant.
Coding change: c.2311C>G on transcript NM_198253.3 (MANE Select); coding-DNA position 2311, C replaced by G.
Protein change: p.Pro771Ala; replaces proline 771 with alanine.
Molecular consequence: missense variant.
Genome position (GRCh38, 1-based): chr5:1,272,256, G>C on the plus strand (C>G on the coding strand, the complement: TERT is on the minus strand). VCF-style: chr5-1272256-G-C. GRCh37 (hg19) VCF-style: chr5-1272371-G-C.
Other names: c.2311C>G, p.Pro771Ala (NM_001193376.3, NM_003219.1); short protein forms P771A.
Identifiers: ClinVar variation 2942166 (VCV002942166.3), dbSNP rs2478210298, ClinGen allele CA359076434.

ClinVar aggregate classification (germline): Uncertain significance (1 of 4 stars; one submission).

Conditions:
Dyskeratosis congenita, autosomal dominant 2. Identifiers: MedGen C3151443, MONDO:0013521, OMIM 613989.
Idiopathic Pulmonary Fibrosis. Also called: Idiopathic fibrosing alveolitis, chronic form; idiopathic fibrosing alveolitis. Identifiers: Orphanet 2032, MedGen C1800706, MeSH D054990, MONDO:0800504.

Submission:

Labcorp Genetics (formerly Invitae), Labcorp
Classification: Uncertain significance for Dyskeratosis congenita, autosomal dominant 2; Idiopathic Pulmonary Fibrosis. Last evaluated: 2022-12-09. Review status: criteria provided, single submitter. Criteria: Invitae Variant Classification Sherloc (09022015). Collection method: clinical testing. Allele origin: germline.
Comment: In summary, the available evidence is currently insufficient to determine the role of this variant in disease. Therefore, it has been classified as a Variant of Uncertain Significance. Advanced modeling of protein sequence and biophysical properties (such as structural, functional, and spatial information, amino acid conservation, physicochemical variation, residue mobility, and thermodynamic stability) performed at Invitae indicates that this missense variant is expected to disrupt TERT protein function. This variant has not been reported in the literature in individuals affected with TERT-related conditions. This variant is not present in population databases (gnomAD no frequency). This sequence change replaces proline, which is neutral and non-polar, with alanine, which is neutral and non-polar, at codon 771 of the TERT protein (p.Pro771Ala).